The following is an entry in ClinVar:

ClinVar aggregate classification (germline): Uncertain significance (1 of 4 stars; one submission).

Conditions:
Familial adenomatous polyposis 1 (FAP1). Also called: FAMILIAL ADENOMATOUS POLYPOSIS 1, ATTENUATED; POLYPOSIS, ADENOMATOUS INTESTINAL. Identifiers: MedGen C2713442, MONDO:0021056, OMIM 175100. Disease mechanism: loss of function.

Submission:

Labcorp Genetics (formerly Invitae), Labcorp
Classification: Uncertain significance for Familial adenomatous polyposis 1. Last evaluated: 2024-08-24. Review status: criteria provided, single submitter. Criteria: Invitae Variant Classification Sherloc (09022015). Collection method: clinical testing. Allele origin: germline.
Comment: This sequence change replaces serine, which is neutral and polar, with proline, which is neutral and non-polar, at codon 2385 of the APC protein (p.Ser2385Pro). This variant is not present in population databases (gnomAD no frequency). This variant has not been reported in the literature in individuals affected with APC-related conditions. Invitae Evidence Modeling of protein sequence and biophysical properties (such as structural, functional, and spatial information, amino acid conservation, physicochemical variation, residue mobility, and thermodynamic stability) indicates that this missense variant is not expected to disrupt APC protein function with a negative predictive value of 95%. In summary, the available evidence is currently insufficient to determine the role of this variant in disease. Therefore, it has been classified as a Variant of Uncertain Significance.

NM_000038.6(APC):c.7153T>C (p.Ser2385Pro)

Gene: APC (APC regulator of Wnt signaling pathway; plus strand). Cytogenetic location: 5q22.2.
Variant type: single nucleotide variant.
Coding change: c.7153T>C on transcript NM_000038.6 (MANE Select); coding-DNA position 7153, T replaced by C.
Protein change: p.Ser2385Pro; replaces serine 2385 with proline.
Molecular consequence: missense variant. On other transcripts: non-coding transcript variant (2).
Genome position (GRCh38, 1-based): chr5:112,842,747, T>C. VCF-style: chr5-112842747-T-C. GRCh37 (hg19) VCF-style: chr5-112178444-T-C.
Other names: c.6880T>C, p.Ser2294Pro (NM_001354902.2); c.6850T>C, p.Ser2284Pro (NM_001354903.2, NM_001407458.1, NM_001407459.1 and 1 more transcripts); c.6775T>C, p.Ser2259Pro (NM_001354904.2); c.6673T>C, p.Ser2225Pro (NM_001354905.2); c.6304T>C, p.Ser2102Pro (NM_001354906.2, NM_001407470.1); c.7237T>C, p.Ser2413Pro (NM_001407446.1); c.7207T>C, p.Ser2403Pro (NM_001407447.1, NM_001407448.1, NM_001407449.1 and 1 more transcripts); c.7153T>C, p.Ser2385Pro (NM_001407450.1, NM_001127510.3, NM_001354895.2); and 11 more; short protein forms S2225P, S2259P, S2294P, S2344P, S2378P, S2395P, S2302P, S2357P.
Identifiers: ClinVar variation 3635511 (VCV003635511.2).